The following is an entry in ClinVar:

ClinVar aggregate classification (germline): Conflicting classifications of pathogenicity. Review status: criteria provided, conflicting classifications (1 of 4 stars). 4 submissions from 4 submitters: Uncertain significance (1); Likely benign (3). Last evaluated 2025-12-23.

Conditions:
Inborn genetic diseases. Identifiers: MedGen C0950123, MeSH D030342.

Allele frequency attached by ClinVar (database versions not stated): ExAC below 0.00001; TOPMed 0.00002; 1000 Genomes Project 30x 0.00016; 1000 Genomes Project 0.00020.
gnomAD v4.1: 68 of 1,550,490 alleles (0.0044%); highest among the groups gnomAD compares: Admixed American, 0.016%; no homozygotes.

Submissions (4):

Labcorp Genetics (formerly Invitae), Labcorp
Classification: Likely benign. Last evaluated: 2025-12-23. Review status: criteria provided, single submitter. Criteria: Invitae Variant Classification Sherloc (09022015). Collection method: clinical testing. Allele origin: germline.

Mayo Clinic Laboratories, Mayo Clinic
Classification: Likely benign. Last evaluated: 2025-02-18. Review status: criteria provided, single submitter. Criteria: ACMG Guidelines, 2015. Collection method: clinical testing. Allele origin: germline. Observed: 1 variant allele.
Comment: BS2, BP1, BP4_moderate

Ambry Genetics
Classification: Uncertain significance for Inborn genetic diseases. Last evaluated: 2024-01-22. Review status: criteria provided, single submitter. Criteria: Ambry Variant Classification Scheme 2023. Collection method: clinical testing. Allele origin: germline.

Athena Diagnostics
Classification: Likely benign. Last evaluated: 2019-10-22. Review status: criteria provided, single submitter. Criteria: Athena Diagnostics Criteria. Collection method: clinical testing. Allele origin: unknown.

NM_000435.3(NOTCH3):c.2773C>G (p.Leu925Val)

Gene: NOTCH3 (notch receptor 3; minus strand). Cytogenetic location: 19p13.12.
Variant type: single nucleotide variant.
Coding change: c.2773C>G on transcript NM_000435.3 (MANE Select); coding-DNA position 2773, C replaced by G.
Protein change: p.Leu925Val; replaces leucine 925 with valine.
Molecular consequence: missense variant.
Genome position (GRCh38, 1-based): chr19:15,181,595, G>C on the plus strand (C>G on the coding strand, the complement: NOTCH3 is on the minus strand). VCF-style: chr19-15181595-G-C. GRCh37 (hg19) VCF-style: chr19-15292406-G-C.
Other names: p.Leu925Val; short protein forms L925V.
Identifiers: ClinVar variation 995048 (VCV000995048.8), dbSNP rs184033385, ClinGen allele CA9263280.